The following is an entry in ClinVar:

ClinVar aggregate classification (germline): Uncertain significance (1 of 4 stars; one submission).

gnomAD v4.1: 2 of 1,611,182 alleles (0.00012%); highest among the groups gnomAD compares: Non-Finnish European, 0.00017%; no homozygotes.

Submission:

CeGaT Center for Human Genetics Tuebingen
Classification: Uncertain significance. Last evaluated: 2026-07-01. Review status: criteria provided, single submitter. Criteria: CeGaT Center For Human Genetics Tuebingen Variant Classification Criteria Version 2. Collection method: clinical testing. Allele origin: germline. Affected: yes. Observed: 1 variant allele.
Comment: ANKRD17: PM2:Supporting

NM_032217.5(ANKRD17):c.263G>C (p.Ser88Thr)

Gene: ANKRD17 (ankyrin repeat domain 17; minus strand). Cytogenetic location: 4q13.3.
Variant type: single nucleotide variant.
Coding change: c.263G>C on transcript NM_032217.5 (MANE Select); coding-DNA position 263, G replaced by C.
Protein change: p.Ser88Thr; replaces serine 88 with threonine.
Molecular consequence: missense variant.
Genome position (GRCh38, 1-based): chr4:73,258,406, C>G on the plus strand (G>C on the coding strand, the complement: ANKRD17 is on the minus strand). VCF-style: chr4-73258406-C-G. GRCh37 (hg19) VCF-style: chr4-74124123-C-G.
Other names: c.263G>C, p.Ser88Thr (NM_015574.2, NM_198889.3); short protein forms S88T.
Identifiers: ClinVar variation 5039475 (VCV005039475.1).